The following is an entry in ClinVar:

NM_001128840.3(CACNA1D):c.2155G>A (p.Gly719Arg)

Gene: CACNA1D (calcium voltage-gated channel subunit alpha1 D; plus strand). Cytogenetic location: 3p21.1.
Variant type: single nucleotide variant.
Coding change: c.2155G>A on transcript NM_001128840.3 (MANE Select); coding-DNA position 2155, G replaced by A.
Protein change: p.Gly719Arg; replaces glycine 719 with arginine.
Molecular consequence: missense variant.
Genome position (GRCh38, 1-based): chr3:53,726,933, G>A. VCF-style: chr3-53726933-G-A. GRCh37 (hg19) VCF-style: chr3-53760960-G-A.
Other names: c.2215G>A, p.Gly739Arg (NM_000720.4); c.2155G>A, p.Gly719Arg (NM_001128839.3); short protein forms G719R, G739R.
Identifiers: ClinVar variation 2439654 (VCV002439654.6), dbSNP rs2473732209, ClinGen allele CA353238969.

ClinVar aggregate classification (germline): Uncertain significance. Review status: criteria provided, multiple submitters, no conflicts (2 of 4 stars). 2 submissions from 2 submitters: Uncertain significance (2). Last evaluated 2023-07-16.

Allele frequency attached by ClinVar (database versions not stated): gnomAD exomes below 0.00001.
gnomAD v4.1: 2 of 1,614,072 alleles (0.00012%); highest among the groups gnomAD compares: Non-Finnish European, 0.00017%; no homozygotes.

Submissions (2):

Labcorp Genetics (formerly Invitae), Labcorp
Classification: Uncertain significance. Last evaluated: 2023-07-16. Review status: criteria provided, single submitter. Criteria: Invitae Variant Classification Sherloc (09022015). Collection method: clinical testing. Allele origin: germline.
Comment: This variant has not been reported in the literature in individuals affected with CACNA1D-related conditions. In summary, the available evidence is currently insufficient to determine the role of this variant in disease. Therefore, it has been classified as a Variant of Uncertain Significance. Advanced modeling of protein sequence and biophysical properties (such as structural, functional, and spatial information, amino acid conservation, physicochemical variation, residue mobility, and thermodynamic stability) has been performed at Invitae for this missense variant, however the output from this modeling did not meet the statistical confidence thresholds required to predict the impact of this variant on CACNA1D protein function. ClinVar contains an entry for this variant (Variation ID: 2439654). This variant is not present in population databases (gnomAD no frequency). This sequence change replaces glycine, which is neutral and non-polar, with arginine, which is basic and polar, at codon 739 of the CACNA1D protein (p.Gly739Arg).

Revvity Omics, Revvity
Classification: Uncertain significance. Last evaluated: 2021-12-23. Review status: criteria provided, single submitter. Criteria: ACMG Guidelines, 2015. Collection method: clinical testing. Allele origin: germline.